The following is an entry in ClinVar:

ClinVar aggregate classification (germline): Likely pathogenic (1 of 4 stars; one submission).

Allele frequency attached by ClinVar (database versions not stated): gnomAD exomes below 0.00001.
gnomAD v4.1: 1 of 1,611,506 alleles (0.000062%); highest among the groups gnomAD compares: Non-Finnish European, 0.000085%; no homozygotes.

Submission:

Labcorp Genetics (formerly Invitae), Labcorp
Classification: Likely pathogenic. Last evaluated: 2021-07-09. Review status: criteria provided, single submitter. Criteria: Invitae Variant Classification Sherloc (09022015). Collection method: clinical testing. Allele origin: germline.
Comment: This sequence change affects an acceptor splice site in intron 24 of the COL27A1 gene. It is expected to disrupt RNA splicing. Variants that disrupt the donor or acceptor splice site typically lead to a loss of protein function (PMID: 16199547), and loss-of-function variants in COL27A1 are known to be pathogenic (PMID: 24986830, 28276056). This variant is not present in population databases (ExAC no frequency). This variant has not been reported in the literature in individuals affected with COL27A1-related conditions. Algorithms developed to predict the effect of sequence changes on RNA splicing suggest that this variant may disrupt the consensus splice site. In summary, the currently available evidence indicates that the variant is pathogenic, but additional data are needed to prove that conclusively. Therefore, this variant has been classified as Likely Pathogenic.

Literature cited by the submitters: PubMed 16199547; PubMed 24986830; PubMed 28276056.

NM_032888.4(COL27A1):c.2980-2A>G

Gene: COL27A1 (collagen type XXVII alpha 1 chain; plus strand). Cytogenetic location: 9q32.
Variant type: single nucleotide variant.
Coding change: c.2980-2A>G on transcript NM_032888.4 (MANE Select); the canonical splice acceptor site of the intron before coding-DNA position 2980, A replaced by G.
Molecular consequence: splice acceptor variant.
Genome position (GRCh38, 1-based): chr9:114,250,613, A>G. VCF-style: chr9-114250613-A-G. GRCh37 (hg19) VCF-style: chr9-117012893-A-G.
Identifiers: ClinVar variation 1474408 (VCV001474408.6), dbSNP rs2135522530, ClinGen allele CA374592908.
Genomic context (GRCh38, chr9:114,250,613, plus strand): 5'-GCGGGAGGGCTGGGTCCCCGGATTCACGTTGTTTCTCTTGCTTTCGGGAATGTGTCTCAT[A>G]GGGATTTATGGGATTCATTGGTCTGGTCGGGGAGCCAGGAATCGTGGGAGAAAAGGTAAG-3'